The following is an entry in ClinVar:

ClinVar aggregate classification (germline): Uncertain significance (1 of 4 stars; one submission).

Allele frequency attached by ClinVar (database versions not stated): TOPMed below 0.00001; gnomAD 0.00001.
gnomAD v4.1: 1 of 1,565,642 alleles (0.000064%); highest among the groups gnomAD compares: Non-Finnish European, 0.000088%; no homozygotes.

Submission:

Labcorp Genetics (formerly Invitae), Labcorp
Classification: Uncertain significance. Last evaluated: 2020-11-14. Review status: criteria provided, single submitter. Criteria: Invitae Variant Classification Sherloc (09022015). Collection method: clinical testing. Allele origin: germline.
Comment: This sequence change replaces glutamine with glutamic acid at codon 516 of the SPPL2A protein (p.Gln516Glu). The glutamine residue is weakly conserved and there is a small physicochemical difference between glutamine and glutamic acid. This variant is not present in population databases (ExAC no frequency). This variant has not been reported in the literature in individuals with SPPL2A-related conditions. Algorithms developed to predict the effect of missense changes on protein structure and function (SIFT, PolyPhen-2, Align-GVGD) all suggest that this variant is likely to be tolerated, but these predictions have not been confirmed by published functional studies and their clinical significance is uncertain. Algorithms developed to predict the effect of sequence changes on RNA splicing suggest that this variant may create or strengthen a splice site, but this prediction has not been confirmed by published transcriptional studies. In summary, the available evidence is currently insufficient to determine the role of this variant in disease. Therefore, it has been classified as a Variant of Uncertain Significance.

NM_032802.4(SPPL2A):c.1546C>G (p.Gln516Glu)

Gene: SPPL2A (signal peptide peptidase like 2A; minus strand). Cytogenetic location: 15q21.2.
Variant type: single nucleotide variant.
Coding change: c.1546C>G on transcript NM_032802.4 (MANE Select); coding-DNA position 1546, C replaced by G.
Protein change: p.Gln516Glu; replaces glutamine 516 with glutamic acid.
Molecular consequence: missense variant.
Genome position (GRCh38, 1-based): chr15:50,707,817, G>C on the plus strand (C>G on the coding strand, the complement: SPPL2A is on the minus strand). VCF-style: chr15-50707817-G-C. GRCh37 (hg19) VCF-style: chr15-51000014-G-C.
Other names: short protein forms Q516E.
Identifiers: ClinVar variation 1513993 (VCV001513993.8), dbSNP rs1478676191, ClinGen allele CA392405862.